The following is an entry in ClinVar:

ClinVar aggregate classification (germline): Conflicting classifications of pathogenicity. Review status: criteria provided, conflicting classifications (1 of 4 stars). 3 submissions from 3 submitters: Pathogenic (1); Likely pathogenic (1); Uncertain significance (1). Last evaluated 2024-08-12.

Conditions:
Usher syndrome type 1 (USH1). Also called: RETINITIS PIGMENTOSA AND CONGENITAL DEAFNESS. Identifiers: Orphanet 231169, Orphanet 886, MedGen C1568247, MONDO:0010168, OMIM 276900.
Autosomal dominant nonsyndromic hearing loss 11. Identifiers: Orphanet 90635, MedGen C1832475, MONDO:0011032, OMIM 601317.
Autosomal recessive nonsyndromic hearing loss 2. Also called: DEAFNESS, AUTOSOMAL RECESSIVE 2; NEUROSENSORY NONSYNDROMIC RECESSIVE DEAFNESS 2. Identifiers: Orphanet 90636, MedGen C1838701, MONDO:0010807, OMIM 600060.

Submissions (3):

3billion
Classification: Pathogenic for Usher syndrome type 1. Last evaluated: 2024-08-12. Review status: criteria provided, single submitter. Criteria: ACMG Guidelines, 2015. Collection method: clinical testing. Allele origin: germline. Affected: yes.
Comment: The variant is not observed in the gnomAD v4.0.0 dataset. Predicted Consequence/Location: Canonical splice site: predicted to alter splicing and result in a loss or disruption of normal protein function. Multiple pathogenic loss-of-function variants are reported downstream of the variant. In silico tools predict the variant to alter splicing and produce an abnormal transcript [SpliceAI: 0.99 (spliceogenicity >=0.2, non-spliceogenicity <0.1)]. The variant has been reported to be associated with MYO7A-related disorder (PMID: 29625443). Therefore, this variant is classified as Pathogenic according to the recommendation of ACMG/AMP guideline.

Fulgent Genetics
Classification: Likely pathogenic for Usher syndrome type 1; Autosomal recessive nonsyndromic hearing loss 2; Autosomal dominant nonsyndromic hearing loss 11. Last evaluated: 2024-03-08. Review status: criteria provided, single submitter. Criteria: ACMG Guidelines, 2015. Collection method: clinical testing. Allele origin: germline.

Juno Genomics, Hangzhou Juno Genomics, Inc
Classification: Uncertain significance for Autosomal dominant nonsyndromic hearing loss 11; Autosomal recessive nonsyndromic hearing loss 2; Usher syndrome type 1. Review status: criteria provided, single submitter. Criteria: ACMG Guidelines, 2015. Collection method: clinical testing. Allele origin: germline. Affected: yes.
Comment: Absent from controls (or at extremely low frequency if recessive) in Genome Aggregation Database, Exome Sequencing Project, 1000 Genomes Project, or Exome Aggregation Consortium.;Null variant in a gene where loss of function (LOF) is a known mechanism of disease.

Literature cited by the submitters: PubMed 29625443 (cited by 3billion).

NM_000260.4(MYO7A):c.5856+1G>A

Gene: MYO7A (myosin VIIA; plus strand). Cytogenetic location: 11q13.5.
Variant type: single nucleotide variant.
Coding change: c.5856+1G>A on transcript NM_000260.4 (MANE Select); the canonical splice donor site of the intron after coding-DNA position 5856, G replaced by A.
Molecular consequence: splice donor variant.
Genome position (GRCh38, 1-based): chr11:77,207,403, G>A. VCF-style: chr11-77207403-G-A. GRCh37 (hg19) VCF-style: chr11-76918448-G-A.
Other names: c.5742+1G>A (NM_001127180.2); c.5709+1G>A (NM_001369365.1).
Identifiers: ClinVar variation 3382787 (VCV003382787.4).